The following is an entry in ClinVar:

ClinVar aggregate classification (germline): Pathogenic/Likely pathogenic. Review status: criteria provided, multiple submitters, no conflicts (2 of 4 stars). 2 submissions from 2 submitters: Pathogenic (1); Likely pathogenic (1). Last evaluated 2024-05-24.

Conditions:
Propionic acidemia (PROP). Also called: GLYCINEMIA, KETOTIC; HYPERGLYCINEMIA WITH KETOACIDOSIS AND LEUKOPENIA; KETOTIC HYPERGLYCINEMIA. Identifiers: Orphanet 35, MedGen C0268579, MONDO:0011628, OMIM 606054, HP:0003571.

Submissions (2):

Natera, Inc.
Classification: Likely pathogenic for Propionic acidemia. Last evaluated: 2024-05-24. Review status: criteria provided, single submitter. Criteria: Natera Variant Classification Schema (03/2026). Collection method: clinical testing. Allele origin: germline.
Comment: The c.1105_1108dup variant in PCCA is a frameshift variant predicted to shift the reading frame beginning at codon 370 and leads to a stop codon 10 codons downstream. This variant is expected to result in nonsense mediated decay, truncation, or a dysfunctional protein product. This variant is rare in the general population with a frequency below the threshold expected for the associated phenotype(s). Given the available evidence, this variant is classified as Likely Pathogenic.

Myriad Genetics, Inc.
Classification: Pathogenic for Propionic acidemia. Last evaluated: 2023-11-04. Review status: criteria provided, single submitter. Criteria: Myriad Autosomal Dominant, Autosomal Recessive and X-Linked Classification Criteria (2023). Collection method: clinical testing. Allele origin: unknown.
Comment: NM_000282.3(PCCA):c.1105_1108dupCTAG(V370Afs*10) is expected to be pathogenic in the context of PCCA-related propionic acidemia. This variant is predicted to lead to an abnormal or absent protein product due to the creation of a premature termination codon in PCCA, a gene where loss-of-function variants are known to be pathogenic. Please note: this variant was assessed in the context of healthy population screening.

NM_000282.4(PCCA):c.1105_1108dup (p.Val370fs)

Gene: PCCA (propionyl-CoA carboxylase subunit alpha; plus strand). Cytogenetic location: 13q32.3.
Variant type: Duplication.
Coding change: c.1105_1108dup on transcript NM_000282.4 (MANE Select); coding-DNA positions 1105 to 1108, 4 bases duplicated (CTAG; older notation c.1105_1108dupCTAG).
Protein change: p.Val370fs; shifts the reading frame from valine 370.
Molecular consequence: frameshift variant. On other transcripts: non-coding transcript variant (5), intron variant (3).
Genome position (GRCh38, 1-based): chr13:100,301,499-100,301,502, CTAG duplicated. VCF-style (leftmost placement, unchanged base first): chr13-100301498-C-CCTAG. GRCh37 (hg19) VCF-style: chr13-100953752-C-CCTAG.
Other names: c.1027_1030dup, p.Val344fs (NM_001127692.3, NM_001352607.2); c.1105_1108dup, p.Val370fs (NM_001178004.2, NM_001352605.2, NM_001352609.2); c.160_163dup, p.Val55fs (NM_001352610.2, NM_001352611.2); c.1066-1425_1066-1422dup (NM_001352606.2); c.121-1425_121-1422dup (NM_001352612.2); c.988-1425_988-1422dup (NM_001352608.2); short protein forms V344fs, V370fs, V55fs.
Identifiers: ClinVar variation 4818097 (VCV004818097.2).
Genomic context (GRCh38, chr13:100,301,498, plus strand): 5'-CTGGCAGACCTTGGCCTTGCAGGTTGAGCATCCTGTCACAGAATGCATTACTGGCCTGGA[C>CCTAG]CTAGTCCAGGAAATGATCCGTGTTGCTAAGGGCTACCCTCTCAGGCACAAACAAGCTGAT-3'